The following is an entry in ClinVar:

NM_181486.4(TBX5):c.208G>A (p.Val70Met)

Gene: TBX5 (T-box transcription factor 5; minus strand). Cytogenetic location: 12q24.21.
Variant type: single nucleotide variant.
Coding change: c.208G>A on transcript NM_181486.4 (MANE Select); coding-DNA position 208, G replaced by A.
Protein change: p.Val70Met; replaces valine 70 with methionine.
Molecular consequence: missense variant.
Genome position (GRCh38, 1-based): chr12:114,401,860, C>T on the plus strand (G>A on the coding strand, the complement: TBX5 is on the minus strand). VCF-style: chr12-114401860-C-T. GRCh37 (hg19) VCF-style: chr12-114839665-C-T.
Other names: c.208G>A, p.Val70Met (NM_000192.3); c.58G>A, p.Val20Met (NM_080717.4); short protein forms V70M, V20M.
Identifiers: ClinVar variation 1785713 (VCV001785713.5), dbSNP rs1378993147, ClinGen allele CA386863086.

ClinVar aggregate classification (germline): Uncertain significance. Review status: criteria provided, multiple submitters, no conflicts (2 of 4 stars). 3 submissions from 3 submitters: Uncertain significance (3). Last evaluated 2025-09-30.

Conditions:
Cardiovascular phenotype. Identifiers: MedGen CN230736.
Aortic valve disease 2 (AOVD2). Identifiers: MedGen C3542024, MONDO:0013902, OMIM 614823.

Allele frequency attached by ClinVar (database versions not stated): gnomAD exomes below 0.00001; gnomAD 0.00001; TOPMed 0.00001.
gnomAD v4.1: 3 of 1,614,082 alleles (0.00019%); highest among the groups gnomAD compares: Non-Finnish European, 0.00025%; no homozygotes.

Submissions (3):

Labcorp Genetics (formerly Invitae), Labcorp
Classification: Uncertain significance for Aortic valve disease 2. Last evaluated: 2025-09-30. Review status: criteria provided, single submitter. Criteria: Invitae Variant Classification Sherloc (09022015). Collection method: clinical testing. Allele origin: germline.
Comment: This sequence change replaces valine, which is neutral and non-polar, with methionine, which is neutral and non-polar, at codon 70 of the TBX5 protein (p.Val70Met). This variant is present in population databases (no rsID available, gnomAD 0.0009%). This variant has not been reported in the literature in individuals affected with TBX5-related conditions. ClinVar contains an entry for this variant (Variation ID: 1785713). Invitae Evidence Modeling of protein sequence and biophysical properties (such as structural, functional, and spatial information, amino acid conservation, physicochemical variation, residue mobility, and thermodynamic stability) indicates that this missense variant is not expected to disrupt TBX5 protein function with a negative predictive value of 80%. In summary, the available evidence is currently insufficient to determine the role of this variant in disease. Therefore, it has been classified as a Variant of Uncertain Significance.

Blueprint Genetics
Classification: Uncertain significance. Last evaluated: 2021-10-14. Review status: criteria provided, single submitter. Criteria: ACMG Guidelines, 2015. Collection method: clinical testing. Allele origin: germline.

Ambry Genetics
Classification: Uncertain significance for Cardiovascular phenotype. Last evaluated: 2021-05-28. Review status: criteria provided, single submitter. Criteria: Ambry Variant Classification Scheme 2023. Collection method: clinical testing. Allele origin: germline.
Comment: The p.V70M variant (also known as c.208G>A), located in coding exon 2 of the TBX5 gene, results from a G to A substitution at nucleotide position 208. The valine at codon 70 is replaced by methionine, an amino acid with highly similar properties. This amino acid position is well conserved in available vertebrate species. In addition, the in silico prediction for this alteration is inconclusive. Since supporting evidence is limited at this time, the clinical significance of this alteration remains unclear.